The following is an entry in ClinVar:

NM_007126.5(VCP):c.512G>A (p.Ser171Asn)

Gene: VCP (valosin containing protein; minus strand). Cytogenetic location: 9p13.3.
Variant type: single nucleotide variant.
Coding change: c.512G>A on transcript NM_007126.5 (MANE Select); coding-DNA position 512, G replaced by A.
Protein change: p.Ser171Asn; replaces serine 171 with asparagine.
Molecular consequence: missense variant.
Genome position (GRCh38, 1-based): chr9:35,065,315, C>T on the plus strand (G>A on the coding strand, the complement: VCP is on the minus strand). VCF-style: chr9-35065315-C-T. GRCh37 (hg19) VCF-style: chr9-35065312-C-T.
Other names: c.377G>A, p.Ser126Asn (NM_001354927.2, NM_001354928.2); short protein forms S126N, S171N.
Identifiers: ClinVar variation 1053574 (VCV001053574.9), dbSNP rs200911363, ClinGen allele CA5039452.

ClinVar aggregate classification (germline): Uncertain significance (1 of 4 stars; one submission).

Conditions:
Inclusion body myopathy with Paget disease of bone and frontotemporal dementia. Also called: Inclusion body myopathy with early-onset Paget disease and frontotemporal dementia. Identifiers: Orphanet 52430, MedGen C1833662, MONDO:0000507.
Frontotemporal dementia and/or amyotrophic lateral sclerosis 6 (FTDALS6). Also called: VCP-Related Amyotrophic Lateral Sclerosis/Frontotemporal Dementia; VCP-Related Amyotrophic Lateral Sclerosis. Identifiers: Orphanet 275872, Orphanet 803, MedGen C5436279, MONDO:0013501, OMIM 613954.

Allele frequency attached by ClinVar (database versions not stated): 1000 Genomes Project 30x 0.00016; 1000 Genomes Project 0.00020.
gnomAD v4.1: 10 of 1,614,204 alleles (0.00062%); highest among the groups gnomAD compares: African/African-American, 0.013%; no homozygotes.

Submission:

Labcorp Genetics (formerly Invitae), Labcorp
Classification: Uncertain significance for Inclusion body myopathy with Paget disease of bone and frontotemporal dementia; Frontotemporal dementia and/or amyotrophic lateral sclerosis 6. Last evaluated: 2025-10-24. Review status: criteria provided, single submitter. Criteria: Invitae Variant Classification Sherloc (09022015). Collection method: clinical testing. Allele origin: germline.
Comment: This sequence change replaces serine, which is neutral and polar, with asparagine, which is neutral and polar, at codon 171 of the VCP protein (p.Ser171Asn). This variant is present in population databases (rs200911363, gnomAD 0.02%). This variant has not been reported in the literature in individuals affected with VCP-related conditions. ClinVar contains an entry for this variant (Variation ID: 1053574). Invitae Evidence Modeling of protein sequence and biophysical properties (such as structural, functional, and spatial information, amino acid conservation, physicochemical variation, residue mobility, and thermodynamic stability) indicates that this missense variant is not expected to disrupt VCP protein function with a negative predictive value of 80%. In summary, the available evidence is currently insufficient to determine the role of this variant in disease. Therefore, it has been classified as a Variant of Uncertain Significance.